The following is an entry in ClinVar:

ClinVar aggregate classification (germline): Benign/Likely benign. Review status: criteria provided, multiple submitters, no conflicts (2 of 4 stars). 6 submissions from 6 submitters: Benign (1); Likely benign (4). 1 of the submissions does not count toward it. Last evaluated 2025-11-18.

Conditions:
Hereditary cancer-predisposing syndrome. Also called: Tumor predisposition; Hereditary neoplastic syndrome; Neoplastic Syndromes, Hereditary; Hereditary Cancer Syndrome. Identifiers: Orphanet 140162, MedGen C0027672, MeSH D009386, MONDO:0015356.
Hereditary breast ovarian cancer syndrome. Also called: Hereditary breast and ovarian cancer syndrome; Hereditary breast and ovarian cancer; Hereditary breast and ovarian cancer syndrome (HBOC); Breast and ovarian cancer; BRCA1- and BRCA2-Associated Hereditary Breast and Ovarian Cancer; Hereditary breast and/or ovarian cancer syndrome. Identifiers: Orphanet 145, MedGen C0677776, MeSH D061325, MONDO:0003582. Disease mechanism: loss of function.
Breast-ovarian cancer, familial, susceptibility to, 2 (BROVCA2). Also called: BRCA2 Hereditary Breast and Ovarian Cancer. Identifiers: Orphanet 145, MedGen C2675520, MONDO:0012933, OMIM 612555. Disease mechanism: loss of function.

Allele frequency attached by ClinVar (database versions not stated): gnomAD exomes below 0.00001; TOPMed 0.00001; gnomAD 0.00004.
gnomAD v4.1: 9 of 1,598,360 alleles (0.00056%); highest among the groups gnomAD compares: African/African-American, 0.0027%; no homozygotes.

Submissions (6):

Labcorp Genetics (formerly Invitae), Labcorp
Classification: Likely benign for Hereditary breast ovarian cancer syndrome. Last evaluated: 2025-11-18. Review status: criteria provided, single submitter. Criteria: Invitae Variant Classification Sherloc (09022015). Collection method: clinical testing. Allele origin: germline.

ARUP Laboratories, Molecular Genetics and Genomics, ARUP Laboratories
Classification: Likely benign. Last evaluated: 2021-04-09. Review status: criteria provided, single submitter. Criteria: ARUP Molecular Germline Variant Investigation Process 2021. Collection method: clinical testing. Allele origin: germline.

Women's Health and Genetics/Laboratory Corporation of America, LabCorp
Classification: Likely benign. Last evaluated: 2021-01-15. Review status: criteria provided, single submitter. Criteria: LabCorp Variant Classification Summary - May 2015. Collection method: clinical testing. Allele origin: germline.
Comment: Variant summary: BRCA2 c.67+19T>C alters a non-conserved nucleotide located close to a canonical splice site and therefore could affect mRNA splicing, leading to a significantly altered protein sequence. 4/4 computational tools predict no significant impact on normal splicing. However, these predictions have yet to be confirmed by functional studies. The variant allele was found at a frequency of 4e-05 in 150998 control chromosomes. To our knowledge, no occurrence of c.67+19T>C in individuals affected with Hereditary Breast And Ovarian Cancer Syndrome and no experimental evidence demonstrating its impact on protein function have been reported. Three clinical diagnostic laboratories have submitted clinical-significance assessments for this variant to ClinVar after 2014 without evidence for independent evaluation. All laboratories classified the variant as likely benign. After an extensive review of literature spanning 6 years (2014-2021), no compelling evidence supporting a pathogenic outcome has been ascertained, therefore the variant has been classified as likely benign.

Color Diagnostics, LLC DBA Color Health
Classification: Likely benign for Hereditary cancer-predisposing syndrome. Last evaluated: 2016-08-01. Review status: criteria provided, single submitter. Criteria: ACMG Guidelines, 2015. Collection method: clinical testing. Allele origin: germline.

GeneDx
Classification: Benign. Last evaluated: 2014-05-30. Review status: criteria provided, single submitter. Criteria: GeneDx Variant Classification (06012015). Collection method: clinical testing. Allele origin: germline. Affected: yes.
Comment: This variant is considered likely benign or benign based on one or more of the following criteria: it is a conservative change, it occurs at a poorly conserved position in the protein, it is predicted to be benign by multiple in silico algorithms, and/or has population frequency not consistent with disease.

Counsyl
Classification: Likely benign for Breast-ovarian cancer, familial, susceptibility to, 2. Last evaluated: 2018-01-24. Review status: no assertion criteria provided. Collection method: clinical testing. Allele origin: unknown. Not counted in ClinVar's aggregate classification.

NM_000059.4(BRCA2):c.67+19T>C

Gene: BRCA2 (BRCA2 DNA repair associated; plus strand). Cytogenetic location: 13q13.1.
Variant type: single nucleotide variant.
Coding change: c.67+19T>C on transcript NM_000059.4 (MANE Select); 19 bases into the intron after coding-DNA position 67, T replaced by C.
Molecular consequence: intron variant.
Genome position (GRCh38, 1-based): chr13:32,316,546, T>C. VCF-style: chr13-32316546-T-C. GRCh37 (hg19) VCF-style: chr13-32890683-T-C.
Identifiers: ClinVar variation 136553 (VCV000136553.24), dbSNP rs587780865, ClinGen allele CA024328.
Genomic context (GRCh38, chr13:32,316,546, plus strand): 5'-CAACATTTTTTGAAATTTTTAAGACACGCTGCAACAAAGCAGGTATTGACAAATTTTATA[T>C]AACTTTATAAATTACACCGAGAAAGTGTTTTCTAAAAAATGCTTGCTAAAAACCCAGTAC-3'